The following is an entry in ClinVar:

ClinVar aggregate classification (germline): Conflicting classifications of pathogenicity. Review status: criteria provided, conflicting classifications (1 of 4 stars). 6 submissions from 6 submitters: Uncertain significance (1); Likely benign (5). Last evaluated 2026-07-14.

Conditions:
SLC25A19-related disorder. Also called: SLC25A19-related condition.
Amish lethal microcephaly (MCPHA). Also called: THIAMINE METABOLISM DYSFUNCTION SYNDROME 3 (MICROCEPHALY TYPE); MICROCEPHALY, AMISH TYPE. Identifiers: Orphanet 99742, MedGen C1846648, MONDO:0011790, OMIM 607196.

Allele frequency attached by ClinVar (database versions not stated): 1000 Genomes Project 30x 0.00016; 1000 Genomes Project 0.00020; ESP Exome Variant Server 0.00031; gnomAD 0.00040 and 0.00044; ExAC 0.00046; TOPMed 0.00054; gnomAD exomes 0.00055.
gnomAD v4.1: 870 of 1,614,010 alleles (0.054%); highest among the groups gnomAD compares: Admixed American, 0.13%; 2 homozygotes.

Submissions (6):

PreventionGenetics, part of Exact Sciences
Classification: Likely benign for SLC25A19-related condition. Last evaluated: 2026-07-14. Review status: criteria provided, single submitter. Criteria: ACMG Guidelines, 2015. Collection method: clinical testing. Allele origin: germline.
Comment: This variant is classified as likely benign based on ACMG/AMP sequence variant interpretation guidelines (Richards et al. 2015 PMID: 25741868, with internal and published modifications).

Labcorp Genetics (formerly Invitae), Labcorp
Classification: Likely benign. Last evaluated: 2025-11-10. Review status: criteria provided, single submitter. Criteria: Invitae Variant Classification Sherloc (09022015). Collection method: clinical testing. Allele origin: germline.

Mayo Clinic Laboratories, Mayo Clinic
Classification: Likely benign. Last evaluated: 2025-03-17. Review status: criteria provided, single submitter. Criteria: ACMG Guidelines, 2015. Collection method: clinical testing. Allele origin: germline. Observed: 2 variant alleles.
Comment: BS1, BP4

GeneDx
Classification: Likely benign. Last evaluated: 2020-07-13. Review status: criteria provided, single submitter. Criteria: GeneDx Variant Classification Process June 2021. Collection method: clinical testing. Allele origin: germline. Affected: yes.

Athena Diagnostics
Classification: Likely benign. Last evaluated: 2019-01-08. Review status: criteria provided, single submitter. Criteria: Athena Diagnostics Criteria. Collection method: clinical testing. Allele origin: germline.

Illumina Laboratory Services, Illumina
Classification: Uncertain significance for Amish lethal microcephaly. Last evaluated: 2018-01-13. Review status: criteria provided, single submitter. Criteria: ICSL Variant Classification Criteria 13 December 2019. Collection method: clinical testing. Allele origin: germline.

NM_001126121.2(SLC25A19):c.155G>A (p.Arg52His)

Gene: SLC25A19 (solute carrier family 25 member 19; minus strand). Cytogenetic location: 17q25.1.
Variant type: single nucleotide variant.
Coding change: c.155G>A on transcript NM_001126121.2 (MANE Select); coding-DNA position 155, G replaced by A.
Protein change: p.Arg52His; replaces arginine 52 with histidine.
Molecular consequence: missense variant.
Genome position (GRCh38, 1-based): chr17:75,286,437, C>T on the plus strand (G>A on the coding strand, the complement: SLC25A19 is on the minus strand). VCF-style: chr17-75286437-C-T. GRCh37 (hg19) VCF-style: chr17-73282518-C-T.
Other names: p.Arg52His; c.155G>A, p.Arg52His (NM_001126122.2, NM_021734.5); short protein forms R52H.
Identifiers: ClinVar variation 782161 (VCV000782161.18), dbSNP rs138954932, ClinGen allele CA8761076.